The following is an entry in ClinVar:

NM_000260.4(MYO7A):c.3396C>T (p.Asp1132=)

Gene: MYO7A (myosin VIIA; plus strand). Cytogenetic location: 11q13.5.
Variant type: single nucleotide variant.
Coding change: c.3396C>T on transcript NM_000260.4 (MANE Select); coding-DNA position 3396, C replaced by T.
Protein change: p.Asp1132=; no amino-acid change (aspartic acid 1132 retained).
Molecular consequence: synonymous variant.
Genome position (GRCh38, 1-based): chr11:77,184,608, C>T. VCF-style: chr11-77184608-C-T. GRCh37 (hg19) VCF-style: chr11-76895653-C-T.
Other names: c.3396C>T, p.Asp1132= (NM_001127180.2); c.3363C>T, p.Asp1121= (NM_001369365.1).
Identifiers: ClinVar variation 751049 (VCV000751049.13), dbSNP rs543234546, ClinGen allele CA6198056.

ClinVar aggregate classification (germline): Likely benign. Review status: criteria provided, multiple submitters, no conflicts (2 of 4 stars). 4 submissions from 4 submitters: Likely benign (3). 1 of the submissions does not count toward it. Last evaluated 2025-03-18.

Conditions:
Usher syndrome type 1B (USH1B). Also called: Usher syndrome type IB. Identifiers: MedGen C1848638, MONDO:0700087.
MYO7A-related disorder. Also called: MYO7A-related disorders.

Allele frequency attached by ClinVar (database versions not stated): gnomAD below 0.00001 and 0.00003; gnomAD exomes 0.00001 and 0.00004; TOPMed 0.00002; ExAC 0.00004; 1000 Genomes Project 30x 0.00016; 1000 Genomes Project 0.00020.
gnomAD v4.1: 24 of 1,568,796 alleles (0.0015%); highest among the groups gnomAD compares: African/African-American, 0.016%; 1 homozygote.

Submissions (4):

PreventionGenetics, part of Exact Sciences
Classification: Likely benign for MYO7A-related condition. Last evaluated: 2025-03-18. Review status: criteria provided, single submitter. Criteria: ACMG Guidelines, 2015. Collection method: clinical testing. Allele origin: germline.
Comment: This variant is classified as likely benign based on ACMG/AMP sequence variant interpretation guidelines (Richards et al. 2015 PMID: 25741868, with internal and published modifications).

Blueprint Genetics
Classification: Likely benign. Last evaluated: 2024-03-13. Review status: criteria provided, single submitter. Criteria: ACMG Guidelines, 2015. Collection method: clinical testing. Allele origin: germline.

Labcorp Genetics (formerly Invitae), Labcorp
Classification: Likely benign. Last evaluated: 2024-03-10. Review status: criteria provided, single submitter. Criteria: Invitae Variant Classification Sherloc (09022015). Collection method: clinical testing. Allele origin: germline.

Natera, Inc.
Classification: Likely benign for Usher syndrome type 1B. Last evaluated: 2020-05-20. Review status: no assertion criteria provided. Collection method: clinical testing. Allele origin: germline. Not counted in ClinVar's aggregate classification.